The following is an entry in ClinVar:

NM_001040716.2(PC):c.*106G>T

Gene: PC (pyruvate carboxylase; minus strand). Cytogenetic location: 11q13.2.
Variant type: single nucleotide variant.
Coding change: c.*106G>T on transcript NM_001040716.2 (MANE Select); 106 bases downstream of the stop codon, G replaced by T.
Molecular consequence: 3 prime UTR variant.
Genome position (GRCh38, 1-based): chr11:66,848,793, C>A on the plus strand (G>T on the coding strand, the complement: PC is on the minus strand). VCF-style: chr11-66848793-C-A. GRCh37 (hg19) VCF-style: chr11-66616264-C-A.
Other names: c.*106G>T (NM_000920.4, NM_022172.3).
Identifiers: ClinVar variation 877797 (VCV000877797.5), dbSNP rs45505701, ClinGen allele CA224120348.
Genomic context (GRCh38, chr11:66,848,793, plus strand): 5'-TGAAAGGAATGAACCACCGCAGGCGGTGTCTCTCCTGTCCAGCTGTGGACAGGACCTCCA[C>A]GGCCCGGCCTTCCTGGCCTCGGGCACTGGCTGGCCTGGGCCTGCCGTGGCAGCACAGCTT-3'

ClinVar aggregate classification (germline): Benign. Review status: criteria provided, multiple submitters, no conflicts (2 of 4 stars). 2 submissions from 2 submitters: Benign (2). Last evaluated 2018-01-13.

Conditions:
Pyruvate carboxylase deficiency. Also called: ATAXIA WITH LACTIC ACIDOSIS II; Pyruvate Carboxylase Deficiency Disease; LEIGH NECROTIZING ENCEPHALOPATHY DUE TO PYRUVATE CARBOXYLASE DEFICIENCY; LEIGH SYNDROME DUE TO PYRUVATE CARBOXYLASE DEFICIENCY; PC DEFICIENCY. Identifiers: Orphanet 3008, MedGen C0034341, MONDO:0009949, OMIM 266150.

Allele frequency attached by ClinVar (database versions not stated): 1000 Genomes Project 0.00639; 1000 Genomes Project 30x 0.00640; TOPMed 0.01351.
gnomAD v4.1: 29,936 of 1,445,912 alleles (2.1%); highest among the groups gnomAD compares: Non-Finnish European, 2.2%; 538 homozygotes.

Submissions (2):

Illumina Laboratory Services, Illumina
Classification: Benign for Pyruvate carboxylase deficiency. Last evaluated: 2018-01-13. Review status: criteria provided, single submitter. Criteria: ICSL Variant Classification Criteria 13 December 2019. Collection method: clinical testing. Allele origin: germline.
Comment: This variant was observed in the ICSL laboratory as part of a predisposition screen in an ostensibly healthy population. It had not been previously curated by ICSL or reported in the Human Gene Mutation Database (HGMD: prior to June 1st, 2018), and was therefore a candidate for classification through an automated scoring system. Utilizing variant allele frequency, disease prevalence and penetrance estimates, and inheritance mode, an automated score was calculated to assess if this variant is too frequent to cause the disease. Based on the score and internal cut-off values, a variant classified as benign is not then subjected to further curation. The score for this variant resulted in a classification of benign for this disease.

Breakthrough Genomics
Classification: Benign. Review status: criteria provided, single submitter. Criteria: ACMG Guidelines, 2015. Collection method: not provided. Allele origin: germline. Inheritance: Autosomal recessive inheritance. Affected: yes.